The following is an entry in ClinVar:

ClinVar aggregate classification (germline): Uncertain significance (1 of 4 stars; one submission).

Submission:

Labcorp Genetics (formerly Invitae), Labcorp
Classification: Uncertain significance. Last evaluated: 2022-12-15. Review status: criteria provided, single submitter. Criteria: Invitae Variant Classification Sherloc (09022015). Collection method: clinical testing. Allele origin: germline.
Comment: This sequence change replaces arginine, which is basic and polar, with lysine, which is basic and polar, at codon 1170 of the MAGEL2 protein (p.Arg1170Lys). This variant is not present in population databases (gnomAD no frequency). This variant has not been reported in the literature in individuals affected with MAGEL2-related conditions. Advanced modeling of protein sequence and biophysical properties (such as structural, functional, and spatial information, amino acid conservation, physicochemical variation, residue mobility, and thermodynamic stability) has been performed at Invitae for this missense variant, however the output from this modeling did not meet the statistical confidence thresholds required to predict the impact of this variant on MAGEL2 protein function. In summary, the available evidence is currently insufficient to determine the role of this variant in disease. Therefore, it has been classified as a Variant of Uncertain Significance.

NM_019066.5(MAGEL2):c.3509G>A (p.Arg1170Lys)

Gene: MAGEL2 (MAGE family member L2; minus strand). Cytogenetic location: 15q11.2.
Variant type: single nucleotide variant.
Coding change: c.3509G>A on transcript NM_019066.5 (MANE Select); coding-DNA position 3509, G replaced by A.
Protein change: p.Arg1170Lys; replaces arginine 1170 with lysine.
Molecular consequence: missense variant.
Genome position (GRCh38, 1-based): chr15:23,644,234, C>T on the plus strand (G>A on the coding strand, the complement: MAGEL2 is on the minus strand). VCF-style: chr15-23644234-C-T. GRCh37 (hg19) VCF-style: chr15-23889381-C-T.
Other names: short protein forms R1170K.
Identifiers: ClinVar variation 2821183 (VCV002821183.3), dbSNP rs2503973964, ClinGen allele CA391322743.
Genomic context (GRCh38, chr15:23,644,234, plus strand): 5'-AGGAATGCTCGAGGGCCCCAGAGGAACTCATACTCTGCGGGCTCAGTGTAAGGGATTCGC[C>T]TGTACTCTAGGTACTTCTGCCTGACAAACACTTCGGTGATGAGCTTCTTAGTATTTCCAA-3'
Protein context (NP_061939.3, residues 1160-1180): VFVRQKYLEY[Arg1170Lys]RIPYTEPAEY